The following is an entry in ClinVar:

ClinVar aggregate classification (germline): Pathogenic (1 of 4 stars; one submission).

Conditions:
Cardiovascular phenotype. Identifiers: MedGen CN230736.

Submission:

Ambry Genetics
Classification: Pathogenic for Cardiovascular phenotype. Last evaluated: 2017-11-15. Review status: criteria provided, single submitter. Criteria: Ambry Variant Classification Scheme 2023. Collection method: clinical testing. Allele origin: germline.
Comment: The c.1639_1645dupCTCAGCT pathogenic mutation, located in coding exon 12 of the ENG gene, results from a duplication of CTCAGCT at nucleotide position 1639, causing a translational frameshift with a predicted alternate stop codon (p.C549Sfs*20). This alteration is expected to result in loss of function by premature protein truncation or nonsense-mediated mRNA decay. As such, this alteration is interpreted as a disease-causing mutation.

NM_001114753.3(ENG):c.1639_1645dup (p.Cys549fs)

Genes: ENG (endoglin; minus strand), LOC102723566 (uncharacterized LOC102723566; plus strand). Cytogenetic location: 9q34.11.
Variant type: Duplication.
Coding change: c.1639_1645dup on transcript NM_001114753.3 (MANE Select); coding-DNA positions 1639 to 1645, 7 bases duplicated (CTCAGCT; older notation c.1639_1645dupCTCAGCT).
Protein change: p.Cys549fs; shifts the reading frame from cysteine 549.
Molecular consequence: frameshift variant.
Genome position (GRCh38, 1-based): chr9:127,818,161-127,818,167, AGCTGAG duplicated on the plus strand (CTCAGCT on the coding strand, the reverse complement: ENG is on the minus strand). VCF-style (leftmost placement, unchanged base first): chr9-127818160-C-CAGCTGAG. GRCh37 (hg19) VCF-style: chr9-130580439-C-CAGCTGAG.
Other names: c.1639_1645dup, p.Cys549Serfs (NM_000118.4); c.1093_1099dup, p.Cys367fs (NM_001278138.2); short protein forms C367fs, C549fs.
Identifiers: ClinVar variation 1776975 (VCV001776975.2), dbSNP rs2539059208, ClinGen allele CA2580079623.